The following is an entry in ClinVar:

ClinVar aggregate classification (germline): Uncertain significance (1 of 4 stars; one submission).

Conditions:
Malignant hyperthermia, susceptibility to, 5 (MHS5). Also called: CACNA1S-Related Malignant Hyperthermia Susceptibility. Identifiers: Orphanet 423, MedGen C1866077, MONDO:0011163, OMIM 601887.

Submission:

All of Us Research Program, National Institutes of Health
Classification: Uncertain significance for Malignant hyperthermia, susceptibility to, 5. Last evaluated: 2023-08-15. Review status: criteria provided, single submitter. Criteria: ACMG Guidelines, 2015. Collection method: clinical testing. Allele origin: germline. Inheritance: Autosomal dominant inheritance. Observed: 1 variant allele, 1 heterozygote.
Comment: This variant deletes 1 nucleotide in exon 40 of the CACNA1S gene, creating a frameshift and premature translation stop signal. This variant is expected to result in an absent or non-functional protein product. To our knowledge, this variant has not been reported in individuals affected with CACNA1S-related disorders in the literature. This variant has not been identified in the general population by the Genome Aggregation Database (gnomAD). Loss of CACNA1S gene function due to haploinsufficiency is not an established disease mechanism for autosomal dominant malignant hyperthermia. Due to insufficient evidence, this variant is classified as a Variant of Uncertain Significance for autosomal dominant malignant hyperthermia.

This study involves interpretation of variants in research participants for the purpose of population health screening. Participant phenotype was not available at the time of variant classification. Additional details can be found in publication PMID: 35346344, PMCID: PMC8962531

NM_000069.3(CACNA1S):c.4928del (p.Phe1643fs)

Gene: CACNA1S (calcium voltage-gated channel subunit alpha1 S; minus strand). Cytogenetic location: 1q32.1.
Variant type: Deletion.
Coding change: c.4928del on transcript NM_000069.3 (MANE Select); coding-DNA position 4928, one base deleted (T; older notation c.4928delT).
Protein change: p.Phe1643fs; shifts the reading frame from phenylalanine 1643.
Molecular consequence: frameshift variant.
Genome position (GRCh38, 1-based): chr1:201,043,401, A deleted on the plus strand (T on the coding strand, the reverse complement: CACNA1S is on the minus strand); the first of 2 consecutive A bases (chr1:201,043,401-201,043,402); deleting either gives the same sequence. VCF-style (leftmost placement, unchanged base first): chr1-201043400-GA-G. GRCh37 (hg19) VCF-style: chr1-201012528-GA-G.
Other names: short protein forms F1643fs.
Identifiers: ClinVar variation 3073011 (VCV003073011.1), dbSNP rs2464410934, ClinGen allele CA2825000898.